The following is an entry in ClinVar:

ClinVar aggregate classification (germline): Uncertain significance (1 of 4 stars; one submission).

Conditions:
Cataract 18 (CATC2). Also called: CATARACT 18, AUTOSOMAL RECESSIVE. Identifiers: Orphanet 91492, Orphanet 98991, Orphanet 98992, Orphanet 98995, MedGen C1864908, MONDO:0012395, OMIM 610019.

gnomAD v4.1: 2 of 1,613,856 alleles (0.00012%); highest among the groups gnomAD compares: East Asian, 0.0022%; no homozygotes.

Submission:

Labcorp Genetics (formerly Invitae), Labcorp
Classification: Uncertain significance for Cataract 18. Last evaluated: 2017-01-16. Review status: criteria provided, single submitter. Criteria: Invitae Variant Classification Sherloc (09022015). Collection method: clinical testing. Allele origin: germline.
Comment: Algorithms developed to predict the effect of missense changes on protein structure and function do not agree on the potential impact of this missense change (SIFT: "Deleterious"; PolyPhen-2: "Benign"; Align-GVGD: "Class C0"). This variant is not present in population databases (ExAC no frequency) and has not been reported in the literature in individuals with a FYCO1-related disease. This sequence change replaces isoleucine with valine at codon 94 of the FYCO1 protein (p.Ile94Val). The isoleucine residue is highly conserved and there is a small physicochemical difference between isoleucine and valine. In summary, this variant is a novel missense change with uncertain impact on protein function. It has been classified as a Variant of Uncertain Significance.

NM_024513.4(FYCO1):c.280A>G (p.Ile94Val)

Gene: FYCO1 (FYVE and coiled-coil domain autophagy adaptor 1; minus strand). Cytogenetic location: 3p21.31.
Variant type: single nucleotide variant.
Coding change: c.280A>G on transcript NM_024513.4 (MANE Select); coding-DNA position 280, A replaced by G.
Protein change: p.Ile94Val; replaces isoleucine 94 with valine.
Molecular consequence: missense variant.
Genome position (GRCh38, 1-based): chr3:45,979,713, T>C on the plus strand (A>G on the coding strand, the complement: FYCO1 is on the minus strand). VCF-style: chr3-45979713-T-C. GRCh37 (hg19) VCF-style: chr3-46021205-T-C.
Other names: short protein forms I94V.
Identifiers: ClinVar variation 468443 (VCV000468443.5), dbSNP rs755356775, ClinGen allele CA352442464.